The following is an entry in ClinVar:

NM_018319.4(TDP1):c.910C>T (p.Arg304Ter)

Gene: TDP1 (tyrosyl-DNA phosphodiesterase 1; plus strand). Cytogenetic location: 14q32.11.
Variant type: single nucleotide variant.
Coding change: c.910C>T on transcript NM_018319.4 (MANE Select); coding-DNA position 910, C replaced by T.
Protein change: p.Arg304Ter; replaces arginine 304 with a stop codon.
Molecular consequence: nonsense.
Genome position (GRCh38, 1-based): chr14:89,984,541, C>T. VCF-style: chr14-89984541-C-T. GRCh37 (hg19) VCF-style: chr14-90450885-C-T.
Other names: c.910C>T, p.Arg304Ter (NM_001008744.2, NM_001330205.2); short protein forms R304*.
Identifiers: ClinVar variation 1030645 (VCV001030645.3), dbSNP rs370121773, ClinGen allele CA7303784.

ClinVar aggregate classification (germline): Pathogenic/Likely pathogenic. Review status: criteria provided, multiple submitters, no conflicts (2 of 4 stars). 3 submissions from 3 submitters: Pathogenic (1); Likely pathogenic (2). Last evaluated 2025-08-27.

Conditions:
Spinocerebellar ataxia, autosomal recessive, with axonal neuropathy 1 (SCAN1). Identifiers: Orphanet 94124, MedGen C4759870, MONDO:0011801, OMIM 607250.

Allele frequency attached by ClinVar (database versions not stated): gnomAD 0.00003 and 0.00004; gnomAD exomes 0.00004 and 0.00003; ExAC 0.00007; TOPMed 0.00004; ESP Exome Variant Server 0.00023.

Submissions (3):

3billion
Classification: Pathogenic for Spinocerebellar ataxia, autosomal recessive, with axonal neuropathy 1. Last evaluated: 2025-08-27. Review status: criteria provided, single submitter. Criteria: ACMG Guidelines, 2015. Collection method: clinical testing. Allele origin: germline. Affected: yes.
Comment: The variant is observed at an extremely low frequency in the gnomAD v4.1.0 dataset (total allele frequency: 0.003%). Predicted Consequence/Location: Stop-gained (nonsense): predicted to result in a loss or disruption of normal protein function through nonsense-mediated decay (NMD) or protein truncation. Multiple pathogenic variants are reported downstream of the variant. The variant has been reported at least twice as pathogenic with clinical assertions and evidence for the classification (ClinVar ID: VCV001030645). Therefore, this variant is classified as Pathogenic according to the recommendation of ACMG/AMP guideline.

Genomic Medicine Center of Excellence, King Faisal Specialist Hospital and Research Centre
Classification: Likely pathogenic for Spinocerebellar ataxia, autosomal recessive, with axonal neuropathy 1. Last evaluated: 2024-03-26. Review status: criteria provided, single submitter. Criteria: ACMG Guidelines, 2015. Collection method: clinical testing. Allele origin: germline.

Baylor Genetics
Classification: Likely pathogenic for Spinocerebellar ataxia, autosomal recessive, with axonal neuropathy 1. Last evaluated: 2020-02-21. Review status: criteria provided, single submitter. Criteria: ACMG Guidelines, 2015. Collection method: clinical testing. Allele origin: unknown. Affected: yes.
Comment: This variant was determined to be likely pathogenic according to ACMG Guidelines, 2015 [PMID:25741868].